The following is an entry in ClinVar:

ClinVar aggregate classification (germline): Uncertain significance (1 of 4 stars; one submission).

gnomAD v4.1: 1 of 1,614,100 alleles (0.000062%); highest among the groups gnomAD compares: Admixed American, 0.0017%; no homozygotes.

Submission:

Labcorp Genetics (formerly Invitae), Labcorp
Classification: Uncertain significance. Last evaluated: 2025-12-24. Review status: criteria provided, single submitter. Criteria: Invitae Variant Classification Sherloc (09022015). Collection method: clinical testing. Allele origin: germline.
Comment: This sequence change replaces alanine, which is neutral and non-polar, with glycine, which is neutral and non-polar, at codon 265 of the HNF4A protein (p.Ala265Gly). This variant is present in population databases (rs746602886, gnomAD 0.003%). This variant has not been reported in the literature in individuals affected with HNF4A-related conditions. ClinVar contains an entry for this variant (Variation ID: 3612415). Invitae Evidence Modeling of protein sequence and biophysical properties (such as structural, functional, and spatial information, amino acid conservation, physicochemical variation, residue mobility, and thermodynamic stability) has been performed for this missense variant. However, the output from this modeling did not meet the statistical confidence thresholds required to predict the impact of this variant on HNF4A protein function. In summary, the available evidence is currently insufficient to determine the role of this variant in disease. Therefore, it has been classified as a Variant of Uncertain Significance.

NM_175914.5(HNF4A):c.794C>G (p.Ala265Gly)

Gene: HNF4A (hepatocyte nuclear factor 4 alpha; plus strand). Cytogenetic location: 20q13.12.
Variant type: single nucleotide variant.
Coding change: c.794C>G on transcript NM_175914.5 (MANE Select); coding-DNA position 794, C replaced by G.
Protein change: p.Ala265Gly; replaces alanine 265 with glycine.
Molecular consequence: missense variant.
Genome position (GRCh38, 1-based): chr20:44,419,844, C>G. VCF-style: chr20-44419844-C-G. GRCh37 (hg19) VCF-style: chr20-43048484-C-G.
Other names: c.860C>G, p.Ala287Gly (NM_000457.6, NM_178849.3, NM_178850.3); c.794C>G, p.Ala265Gly (NM_001030003.3, NM_001030004.3); c.839C>G, p.Ala280Gly (NM_001258355.2); c.785C>G, p.Ala262Gly (NM_001287182.2, NM_001287183.2, NM_001287184.2); short protein forms A262G, A265G, A280G, A287G.
Identifiers: ClinVar variation 3612415 (VCV003612415.2).